The following is an entry in ClinVar:

ClinVar aggregate classification (germline): Uncertain significance (1 of 4 stars; one submission).

Conditions:
Autosomal dominant childhood-onset proximal spinal muscular atrophy with contractures (SMALED2A). Also called: SPINAL MUSCULAR ATROPHY, LOWER EXTREMITY-PREDOMINANT, 2A, CHILDHOOD ONSET, AUTOSOMAL DOMINANT; Spinal muscular atrophy, lower extremity-predominant, 2A, autosomal dominant. Identifiers: Orphanet 363447, Orphanet 363454, MedGen C4747715, MONDO:0014121, OMIM 615290.

Allele frequency attached by ClinVar (database versions not stated): gnomAD exomes below 0.00001.
gnomAD v4.1: 1 of 1,605,682 alleles (0.000062%); highest among the groups gnomAD compares: South Asian, 0.0011%; no homozygotes.

Submission:

Labcorp Genetics (formerly Invitae), Labcorp
Classification: Uncertain significance for Autosomal dominant childhood-onset proximal spinal muscular atrophy with contractures. Last evaluated: 2023-02-14. Review status: criteria provided, single submitter. Criteria: Invitae Variant Classification Sherloc (09022015). Collection method: clinical testing. Allele origin: germline.
Comment: This variant has not been reported in the literature in individuals affected with BICD2-related conditions. This variant is not present in population databases (gnomAD no frequency). This sequence change replaces glycine, which is neutral and non-polar, with cysteine, which is neutral and slightly polar, at codon 600 of the BICD2 protein (p.Gly600Cys). In summary, the available evidence is currently insufficient to determine the role of this variant in disease. Therefore, it has been classified as a Variant of Uncertain Significance. Advanced modeling of protein sequence and biophysical properties (such as structural, functional, and spatial information, amino acid conservation, physicochemical variation, residue mobility, and thermodynamic stability) performed at Invitae indicates that this missense variant is not expected to disrupt BICD2 protein function.

NM_001003800.2(BICD2):c.1798G>T (p.Gly600Cys)

Gene: BICD2 (BICD cargo adaptor 2; minus strand). Cytogenetic location: 9q22.31.
Variant type: single nucleotide variant.
Coding change: c.1798G>T on transcript NM_001003800.2 (MANE Select); coding-DNA position 1798, G replaced by T.
Protein change: p.Gly600Cys; replaces glycine 600 with cysteine.
Molecular consequence: missense variant.
Genome position (GRCh38, 1-based): chr9:92,718,847, C>A on the plus strand (G>T on the coding strand, the complement: BICD2 is on the minus strand). VCF-style: chr9-92718847-C-A. GRCh37 (hg19) VCF-style: chr9-95481129-C-A.
Other names: c.1798G>T, p.Gly600Cys (NM_015250.4); short protein forms G600C.
Identifiers: ClinVar variation 2837414 (VCV002837414.3), dbSNP rs2490443960, ClinGen allele CA374035722.